The following is an entry in ClinVar:

NC_000020.10:g.(?_62559679)_(62562941_?)dup

Gene: DNAJC5 (DnaJ heat shock protein family (Hsp40) member C5; plus strand). Cytogenetic location: 20q13.33.
Variant type: Duplication.
Identifiers: ClinVar variation 584180 (VCV000584180.3).

ClinVar aggregate classification (germline): Uncertain significance (1 of 4 stars; one submission).

Conditions:
Neuronal ceroid lipofuscinosis. Also called: Neuronal Ceroid Lipofuscinoses. Identifiers: Orphanet 216, Orphanet 79263, MedGen C0027877, MONDO:0016295. Disease mechanism: loss of function.

Submission:

Labcorp Genetics (formerly Invitae), Labcorp
Classification: Uncertain significance for Neuronal ceroid lipofuscinosis. Last evaluated: 2019-11-04. Review status: criteria provided, single submitter. Criteria: Invitae Variant Classification Sherloc (09022015). Collection method: clinical testing. Allele origin: germline.
Comment: This variant results in a copy number gain of the genomic region encompassing the full coding sequence of the DNAJC5 gene. The boundaries of this event are unknown as they extend beyond the assayed region for this gene and therefore may encompass additional genes. As the precise location of this event is unknown, it may be in tandem or it may be located elsewhere in the genome. This variant has been observed in one or more individuals who were not affected with DNAJC5-related disease (Invitae). Experimental studies and prediction algorithms are not available for this variant, and the functional significance of the affected amino acid(s) is currently unknown. In summary, the available evidence is currently insufficient to determine the role of this variant in disease. Therefore, it has been classified as a Variant of Uncertain Significance.